The following is an entry in ClinVar:

NM_000492.4(CFTR):c.3854C>T (p.Ala1285Val)

Genes: CFTR (CF transmembrane conductance regulator; plus strand), CFTR-AS2 (CFTR antisense RNA 2; minus strand). Cytogenetic location: 7q31.2.
Variant type: single nucleotide variant.
Coding change: c.3854C>T on transcript NM_000492.4 (MANE Select); coding-DNA position 3854, C replaced by T.
Protein change: p.Ala1285Val; replaces alanine 1285 with valine.
Molecular consequence: missense variant.
Genome position (GRCh38, 1-based): chr7:117,642,574, C>T. VCF-style: chr7-117642574-C-T. GRCh37 (hg19) VCF-style: chr7-117282628-C-T.
Other names: short protein forms A1285V.
Identifiers: ClinVar variation 53823 (VCV000053823.33), dbSNP rs397508617, ClinGen allele CA327309.
Genomic context (GRCh38, chr7:117,642,574, plus strand): 5'-GAGAAATCCAGATCGATGGTGTGTCTTGGGATTCAATAACTTTGCAACAGTGGAGGAAAG[C>T]CTTTGGAGTGATACCACAGGTGAGCAAAAGGACTTAGCCAGAAAAAAGGCAACTAAATTA-3'
Protein context (NP_000483.3, residues 1275-1295): DSITLQQWRK[Ala1285Val]FGVIPQKVFI

ClinVar aggregate classification (germline): Conflicting classifications of pathogenicity. Review status: criteria provided, conflicting classifications (1 of 4 stars). 12 submissions from 12 submitters: Uncertain significance (7); Benign (1); Likely benign (2). 2 of the submissions do not count toward it. Last evaluated 2026-06-23.

Conditions:
CFTR-related disorder (CFTR-RD). Also called: CFTR-related condition; CFTR-related disorders. Identifiers: MedGen C5924204, MONDO:7770004.
Cystic fibrosis (CF). Also called: MUCOVISCIDOSIS. Identifiers: Orphanet 586, MedGen C0010674, MONDO:0009061, OMIM 219700. Disease mechanism: loss of function.
Hereditary pancreatitis (PCTT). Also called: PRSS1-Related Hereditary Pancreatitis; Hereditary chronic pancreatitis. Identifiers: Orphanet 676, MedGen C0238339, MONDO:0008185, OMIM 167800.

Allele frequency attached by ClinVar (database versions not stated): gnomAD below 0.00001 and 0.00022; TOPMed 0.00002; gnomAD exomes 0.00066; ExAC 0.00068; 1000 Genomes Project 0.00140; 1000 Genomes Project 30x 0.00203.
gnomAD v4.1: 511 of 1,613,382 alleles (0.032%); highest among the groups gnomAD compares: South Asian, 0.52%; 2 homozygotes.

Submissions (12):

PreventionGenetics, part of Exact Sciences
Classification: Uncertain significance for CFTR-related condition. Last evaluated: 2026-06-23. Review status: criteria provided, single submitter. Criteria: ACMG Guidelines, 2015. Collection method: clinical testing. Allele origin: germline.
Comment: The CFTR c.3854C>T variant is predicted to result in the amino acid substitution p.Ala1285Val. This variant has been reported in the heterozygous and compound heterozygous state in two individuals with congenital absence of the vas deferens (CAVD) (Sachdeva et al. 2011. PubMed ID: 21254931; Gaikwad et al. 2020. PubMed ID: 34145097). However, this variant has been reported in the homozygous state in at least two individuals undergoing carrier screening testing for whom phenotypic information was not provided (Schwartz et al. 2009. PubMed ID: 19324992; Archibald et al. 2017. PubMed ID: 29261177) and along with another missense CFTR variant in an individual ascertained through newborn screening who had a sweat test < 30 mmol/L although long term follow up was not provided (Dankert-Roelse et al. 2018. PubMed ID: 30146269). This variant is reported in 0.53% of alleles in individuals of South Asian descent in gnomAD including one homozygote. Although we suspect that this variant may be benign, at this time, the clinical significance of this variant is uncertain due to the absence of conclusive functional and genetic evidence.

Labcorp Genetics (formerly Invitae), Labcorp
Classification: Benign for Cystic fibrosis. Last evaluated: 2026-02-02. Review status: criteria provided, single submitter. Criteria: Invitae Variant Classification Sherloc (09022015). Collection method: clinical testing. Allele origin: germline.

GeneDx
Classification: Uncertain significance. Last evaluated: 2024-04-18. Review status: criteria provided, single submitter. Criteria: GeneDx Variant Classification Process June 2021. Collection method: clinical testing. Allele origin: germline. Affected: yes.
Comment: In silico analysis indicates that this missense variant does not alter protein structure/function; Observed in the heterozygous state in an individual with chronic pancreatitis in published literature (PMID: 33097431); This variant is associated with the following publications: (PMID: 19324992, 30146269, 32906206, 32784480, 33138774, 29261177, 34145097, 33097431, 21254931)

Ambry Genetics
Classification: Likely benign for Cystic fibrosis. Last evaluated: 2023-04-11. Review status: criteria provided, single submitter. Criteria: Ambry Variant Classification Scheme 2023. Collection method: clinical testing. Allele origin: germline.

Revvity Omics, Revvity
Classification: Uncertain significance. Last evaluated: 2023-04-06. Review status: criteria provided, single submitter. Criteria: ACMG Guidelines, 2015. Collection method: clinical testing. Allele origin: germline.

Neuberg Centre For Genomic Medicine, NCGM
Classification: Uncertain significance for Hereditary pancreatitis. Last evaluated: 2023-03-01. Review status: criteria provided, single submitter. Criteria: ACMG Guidelines, 2015. Collection method: clinical testing. Allele origin: germline. Inheritance: Autosomal dominant inheritance. Affected: yes.
Comment: The missense c.3854C>T (p.Ala1285Val) variant in CFTR gene has been reported previously in heterozygous state in individual(s) affected with SPINK1-associated Chronic Pancreatitis (Jones et al., 2020). This variant is reported with the allele frequency of 0.06% in the gnomAD Exomes. This variant has been reported to the ClinVar database with varying interpretation: Benign / Likely Benign / Uncertain Significance (multiple submitters). The amino acid Ala at position 1285 is changed to a Val changing protein sequence and it might alter its composition and physico-chemical properties. The amino acid change p.Ala1285Val in CFTR is predicted as conserved by GERP++ and PhyloP across 100 vertebrates. The variant is predicted as damaging by SIFT. SPINK1 carriers with co-occurring mutations in CFTR exhibited prominent fibrosis of the pancreas and only focal intralobular and/or extralobular lipomatous infiltration into the pancreatic parenchyma. For these reasons, this variant has been classified as Uncertain Significance.

Quest Diagnostics Nichols Institute San Juan Capistrano
Classification: Uncertain significance. Last evaluated: 2022-12-29. Review status: criteria provided, single submitter. Criteria: Quest Diagnostics criteria. Collection method: clinical testing. Allele origin: unknown.
Comment: The frequency of this variant in the general population, 0.0053 (162/30594 chromosomes), is uninformative in assessment of its pathogenicity. In the published literature, the variant has been reported in individuals with congenital bilateral absence of the vas deferens (CBAVD) (PMID: 21254931 (2011), 34145097 (2020)) and in an individual with pancreatitis (PMID: 33097431 (2020)). The variant has also been reported in carrier screenings (PMID: 19324992 (2009), 29261177 (2018), 30146269 (2019), 32784480 (2020), 32906206 (2020), 33138774 (2020)). Analysis of this variant using bioinformatics tools for the prediction of the effect of amino acid changes on protein structure and function yielded predictions that this variant is damaging. Based on the available information, we are unable to determine the clinical significance of this variant.

Women's Health and Genetics/Laboratory Corporation of America, LabCorp
Classification: Uncertain significance. Last evaluated: 2022-04-12. Review status: criteria provided, single submitter. Criteria: LabCorp Variant Classification Summary - May 2015. Collection method: clinical testing. Allele origin: germline.
Comment: Variant summary: CFTR c.3854C>T (p.Ala1285Val) results in a non-conservative amino acid change located in the AAA+ ATPase domain (IPR003593) of the encoded protein sequence. Five of five in-silico tools predict a damaging effect of the variant on protein function. The variant allele was found at a frequency of 0.00066 in 250862 control chromosomes (gnomAD), predominantly at a frequency of 0.0053 within the South Asian subpopulation in the gnomAD database, including 1 homozygote. This frequency is somewhat lower than the maximum expected for a pathogenic variant in CFTR causing Congenital Bilateral Absence of the Vas Deferens (CBAVD) (0.013), allowing no conclusion about variant significance. c.3854C>T has been reported in the literature in at least two Asian Indian individuals affected with CBAVD, however no second (likely) pathogenic variant was specified in these cases (Sachdeva 2011, Gaikwad_2020). These reports do not provide unequivocal conclusions about association of the variant with CBAVD. To our knowledge, no experimental evidence demonstrating an impact on protein function has been reported. Five other ClinVar submitters have assessed the variant since 2014: three classified the variant as of uncertain significance, one as likely benign, and one as benign. Based on the evidence outlined above, the variant was classified as uncertain significance.

Johns Hopkins Genomics, Johns Hopkins University
Classification: Likely benign for Cystic fibrosis. Last evaluated: 2021-09-27. Review status: criteria provided, single submitter. Criteria: ACMG Guidelines, 2015. Collection method: clinical testing. Allele origin: germline.

Mayo Clinic Laboratories, Mayo Clinic
Classification: Uncertain significance. Last evaluated: 2021-07-14. Review status: criteria provided, single submitter. Criteria: ACMG Guidelines, 2015. Collection method: clinical testing. Allele origin: germline.

Natera, Inc.
Classification: Uncertain significance for Cystic Fibrosis. Last evaluated: 2017-05-09. Review status: no assertion criteria provided. Collection method: clinical testing. Allele origin: germline. Not counted in ClinVar's aggregate classification.

ClinVar Staff, National Center for Biotechnology Information (NCBI)
No classification provided. Condition: CFTR-related disorders. Review status: no classification provided. Collection method: literature only. Allele origin: germline. Affected: yes. Not counted in ClinVar's aggregate classification.

Literature cited by the submitters: PubMed 26277102 (cited by 3 submitters); PubMed 29216686 (cited by Ambry Genetics and Quest Diagnostics Nichols Institute San Juan Capistrano); PubMed 32906206 (cited by Quest Diagnostics Nichols Institute San Juan Capistrano); PubMed 30146269 (cited by Quest Diagnostics Nichols Institute San Juan Capistrano and Women's Health and Genetics/Laboratory Corporation of America, LabCorp); PubMed 29261177 (cited by 3 submitters); PubMed 24440239 (cited by Quest Diagnostics Nichols Institute San Juan Capistrano and Women's Health and Genetics/Laboratory Corporation of America, LabCorp); PubMed 21254931 (cited by 4 submitters); PubMed 19324992 (cited by Quest Diagnostics Nichols Institute San Juan Capistrano and Women's Health and Genetics/Laboratory Corporation of America, LabCorp); PubMed 32784480 (cited by Quest Diagnostics Nichols Institute San Juan Capistrano and Women's Health and Genetics/Laboratory Corporation of America, LabCorp); PubMed 33097431 (cited by Quest Diagnostics Nichols Institute San Juan Capistrano and Women's Health and Genetics/Laboratory Corporation of America, LabCorp); PubMed 33138774 (cited by 3 submitters); PubMed 34145097 (cited by 3 submitters).